The following is an entry in ClinVar:

ClinVar aggregate classification (germline): Uncertain significance. Review status: criteria provided, multiple submitters, no conflicts (2 of 4 stars). 2 submissions from 2 submitters: Uncertain significance (2). Last evaluated 2025-10-13.

Conditions:
Intellectual developmental disorder, autosomal dominant 1. Also called: MBD5 Haploinsufficiency; Intellectual disability, autosomal dominant 1. Identifiers: Orphanet 228402, MedGen C1969562, MONDO:0007974, OMIM 156200.
Inborn genetic diseases. Identifiers: MedGen C0950123, MeSH D030342.

gnomAD v4.1: 1 of 1,613,988 alleles (0.000062%); no homozygotes.

Submissions (2):

Labcorp Genetics (formerly Invitae), Labcorp
Classification: Uncertain significance for Intellectual developmental disorder, autosomal dominant 1. Last evaluated: 2025-10-13. Review status: criteria provided, single submitter. Criteria: Invitae Variant Classification Sherloc (09022015). Collection method: clinical testing. Allele origin: germline.
Comment: This sequence change replaces serine, which is neutral and polar, with asparagine, which is neutral and polar, at codon 771 of the MBD5 protein (p.Ser771Asn). This variant is present in population databases (no rsID available, gnomAD no frequency). This variant has not been reported in the literature in individuals affected with MBD5-related conditions. ClinVar contains an entry for this variant (Variation ID: 2598085). Invitae Evidence Modeling of protein sequence and biophysical properties (such as structural, functional, and spatial information, amino acid conservation, physicochemical variation, residue mobility, and thermodynamic stability) indicates that this missense variant is not expected to disrupt MBD5 protein function with a negative predictive value of 80%. In summary, the available evidence is currently insufficient to determine the role of this variant in disease. Therefore, it has been classified as a Variant of Uncertain Significance.

Ambry Genetics
Classification: Uncertain significance for Inborn genetic diseases. Last evaluated: 2023-08-21. Review status: criteria provided, single submitter. Criteria: Ambry Variant Classification Scheme 2023. Collection method: clinical testing. Allele origin: germline.

NM_001378120.1(MBD5):c.2312G>A (p.Ser771Asn)

Gene: MBD5 (methyl-CpG binding domain protein 5; plus strand). Cytogenetic location: 2q23.1.
Variant type: single nucleotide variant.
Coding change: c.2312G>A on transcript NM_001378120.1 (MANE Select); coding-DNA position 2312, G replaced by A.
Protein change: p.Ser771Asn; replaces serine 771 with asparagine.
Molecular consequence: missense variant.
Genome position (GRCh38, 1-based): chr2:148,470,255, G>A. VCF-style: chr2-148470255-G-A. GRCh37 (hg19) VCF-style: chr2-149227824-G-A.
Other names: c.2312G>A, p.Ser771Asn (NM_018328.5); short protein forms S771N.
Identifiers: ClinVar variation 2598085 (VCV002598085.4), dbSNP rs1486758007, ClinGen allele CA348721583.